The following is an entry in ClinVar:

NM_000037.4(ANK1):c.5544+46G>A

Gene: ANK1 (ankyrin 1; minus strand). Cytogenetic location: 8p11.21.
Variant type: single nucleotide variant.
Coding change: c.5544+46G>A on transcript NM_000037.4 (MANE Select); 46 bases into the intron after coding-DNA position 5544, G replaced by A.
Molecular consequence: intron variant. On other transcripts: missense variant (3).
Genome position (GRCh38, 1-based): chr8:41,661,830, C>T on the plus strand (G>A on the coding strand, the complement: ANK1 is on the minus strand). VCF-style: chr8-41661830-C-T. GRCh37 (hg19) VCF-style: chr8-41519348-C-T.
Other names: p.?; c.415G>A, p.Asp139Asn (NM_001142445.2); c.5590G>A, p.Asp1864Asn (NM_020476.3); c.5104G>A, p.Asp1702Asn (NM_020477.3); c.5667+46G>A (NM_001142446.2); c.5544+46G>A (NM_020475.3); c.303+1829G>A (NM_020480.5); c.369+46G>A (NM_020478.5); short protein forms D1702N, D139N, D1864N.
Identifiers: ClinVar variation 790052 (VCV000790052.37), dbSNP rs114905632, ClinGen allele CA4727130.

ClinVar aggregate classification (germline): Conflicting classifications of pathogenicity. Review status: criteria provided, conflicting classifications (1 of 4 stars). 5 submissions from 5 submitters: Uncertain significance (1); Benign (1); Likely benign (3). Last evaluated 2025-12-17.

Conditions:
Hereditary spherocytosis type 1. Also called: Spherocytosis type 1; ANK1-Related Spherocytosis. Identifiers: Orphanet 822, MedGen C2674218, MONDO:0008447, OMIM 182900.

Allele frequency attached by ClinVar (database versions not stated): gnomAD exomes 0.00033 and 0.00074; ExAC 0.00095; gnomAD 0.00279 and 0.00304; 1000 Genomes Project 0.00280; 1000 Genomes Project 30x 0.00297; TOPMed 0.00334; ESP Exome Variant Server 0.00377.
gnomAD v4.1: 924 of 1,614,060 alleles (0.057%); highest among the groups gnomAD compares: African/African-American, 1%; 5 homozygotes.

Submissions (5):

Mayo Clinic Laboratories, Mayo Clinic
Classification: Uncertain significance. Last evaluated: 2025-12-17. Review status: criteria provided, single submitter. Criteria: ACMG Guidelines, 2015. Collection method: clinical testing. Allele origin: germline. Observed: 14 variant alleles.

ARUP Laboratories, Molecular Genetics and Genomics, ARUP Laboratories
Classification: Likely benign for Hereditary spherocytosis type 1. Last evaluated: 2025-01-03. Review status: criteria provided, single submitter. Criteria: ARUP Molecular Germline Variant Investigation Process 2024. Collection method: clinical testing. Allele origin: germline.

CeGaT Center for Human Genetics Tuebingen
Classification: Likely benign. Last evaluated: 2024-11-01. Review status: criteria provided, single submitter. Criteria: CeGaT Center For Human Genetics Tuebingen Variant Classification Criteria Version 2. Collection method: clinical testing. Allele origin: germline. Affected: yes. Observed: 1 variant allele.
Comment: ANK1: BS1

Blueprint Genetics
Classification: Likely benign. Last evaluated: 2024-07-16. Review status: criteria provided, single submitter. Criteria: ACMG Guidelines, 2015. Collection method: clinical testing. Allele origin: germline.

Labcorp Genetics (formerly Invitae), Labcorp
Classification: Benign. Last evaluated: 2019-12-31. Review status: criteria provided, single submitter. Criteria: Invitae Variant Classification Sherloc (09022015). Collection method: clinical testing. Allele origin: germline.